The following is an entry in ClinVar:

NM_001172509.2(SATB2):c.1555G>A (p.Glu519Lys)

Gene: SATB2 (SATB homeobox 2; minus strand). Cytogenetic location: 2q33.1.
Variant type: single nucleotide variant.
Coding change: c.1555G>A on transcript NM_001172509.2 (MANE Select); coding-DNA position 1555, G replaced by A.
Protein change: p.Glu519Lys; replaces glutamic acid 519 with lysine.
Molecular consequence: missense variant.
Genome position (GRCh38, 1-based): chr2:199,308,945, C>T on the plus strand (G>A on the coding strand, the complement: SATB2 is on the minus strand). VCF-style: chr2-199308945-C-T. GRCh37 (hg19) VCF-style: chr2-200173668-C-T.
Other names: c.1555G>A, p.Glu519Lys (NM_001172517.1, NM_015265.4); short protein forms E519K.
Identifiers: ClinVar variation 2505259 (VCV002505259.1), dbSNP rs2468839305, ClinGen allele CA350384666.
Genomic context (GRCh38, chr2:199,308,945, plus strand): 5'-AGAGGTTTTCCCAGAGGGTGCGGTTTTCTGGGCTTGGGTTCTCCTTCCAGCGGAGCAGTT[C>T]ACACAGCCAGCCCTGTAGAGAGAGGAGGTCGCTTGCATTAACCTGCAGAGTGTAGAGGAG-3'
Protein context (NP_001165980.1, residues 509-529): AANKSQGWLC[Glu519Lys]LLRWKENPSP

ClinVar aggregate classification (germline): Pathogenic (1 of 4 stars; one submission).

Conditions:
Chromosome 2q32-q33 deletion syndrome (GLASS). Also called: 2q33.1 deletion syndrome; Glass syndrome. Identifiers: Orphanet 251019, MedGen C2676739, MONDO:0012864, OMIM 612313.

Submission:

Greenwood Genetic Center Diagnostic Laboratories, Greenwood Genetic Center
Classification: Pathogenic for Chromosome 2q32-q33 deletion syndrome. Last evaluated: 2023-02-01. Review status: criteria provided, single submitter. Criteria: ACMG Guidelines, 2015. Collection method: clinical testing. Allele origin: germline. Affected: yes.
Comment: PS2, PS4_Supporting, PM2, PM6, PP2, PP3